The following is an entry in ClinVar:

NR_002717.3(ATXN8OS):n.903G>A

Genes: ATXN8OS (ATXN8 opposite strand lncRNA; plus strand), LOC109461478 (ATXN8 opposite strand (non-protein coding) repeat instability region; plus strand). Cytogenetic location: 13q21.33.
Variant type: single nucleotide variant.
Molecular consequence: non-coding transcript variant (on NR_002717.3).
Genome position: GRCh38 VCF-style: chr13-70139392-G-A. GRCh37 (hg19) VCF-style: chr13-70713524-G-A.
Identifiers: ClinVar variation 3059813 (VCV003059813.2), dbSNP rs112128542, ClinGen allele CA252266804.

ClinVar aggregate classification (germline): Benign (0 of 4 stars; one submission).

Conditions:
ATXN8OS-related disorder. Also called: ATXN8OS-related condition.

Allele frequency attached by ClinVar (database versions not stated): gnomAD 0.24356.

Submission:

PreventionGenetics, part of Exact Sciences
Classification: Benign for ATXN8OS-related condition. Last evaluated: 2019-08-14. Review status: no assertion criteria provided. Collection method: clinical testing. Allele origin: germline.
Comment: This variant is classified as benign based on ACMG/AMP sequence variant interpretation guidelines (Richards et al. 2015 PMID: 25741868, with internal and published modifications).